The following is an entry in ClinVar:

ClinVar aggregate classification (germline): Uncertain significance. Review status: criteria provided, multiple submitters, no conflicts (2 of 4 stars). 5 submissions from 5 submitters: Uncertain significance (5). Last evaluated 2025-12-27.

Conditions:
Cardiac arrhythmia. Also called: Arrhythmia; Cardiac rhythm disease. Identifiers: MedGen C0003811, MONDO:0007263, HP:0011675.
Cardiovascular phenotype. Identifiers: MedGen CN230736.
Long QT syndrome 2 (LQT2). Identifiers: Orphanet 101016, Orphanet 768, MedGen C3150943, MONDO:0013367, OMIM 613688.
Short QT syndrome type 1. Identifiers: Orphanet 51083, MedGen C1865020, MONDO:0012312, OMIM 609620.
Long QT syndrome (LQTS). Identifiers: MedGen C0023976, MeSH D008133, MONDO:0002442. Disease mechanism: loss of function. Inheritance: Various modes of inheritance.

Allele frequency attached by ClinVar (database versions not stated): gnomAD 0.00001; TOPMed 0.00001.
gnomAD v4.1: 36 of 1,573,662 alleles (0.0023%); highest among the groups gnomAD compares: Non-Finnish European, 0.003%; no homozygotes.

Submissions (5):

Labcorp Genetics (formerly Invitae), Labcorp
Classification: Uncertain significance for Long QT syndrome. Last evaluated: 2025-12-27. Review status: criteria provided, single submitter. Criteria: Invitae Variant Classification Sherloc (09022015). Collection method: clinical testing. Allele origin: germline.
Comment: This sequence change replaces arginine, which is basic and polar, with tryptophan, which is neutral and slightly polar, at codon 1005 of the KCNH2 protein (p.Arg1005Trp). This variant is not present in population databases (gnomAD no frequency). This missense change has been observed in individual(s) with sudden infant death syndrome (PMID: 29544605). ClinVar contains an entry for this variant (Variation ID: 1019746). An algorithm developed to predict the effect of missense changes on protein structure and function (PolyPhen-2) suggests that this variant is likely to be disruptive. Experimental studies have shown that this missense change affects KCNH2 function (PMID: 29752375). In summary, the available evidence is currently insufficient to determine the role of this variant in disease. Therefore, it has been classified as a Variant of Uncertain Significance.

Ambry Genetics
Classification: Uncertain significance for Cardiovascular phenotype. Last evaluated: 2025-07-31. Review status: criteria provided, single submitter. Criteria: Ambry Variant Classification Scheme 2023. Collection method: clinical testing. Allele origin: germline.
Comment: The p.R1005W variant (also known as c.3013C>T), located in coding exon 13 of the KCNH2 gene, results from a C to T substitution at nucleotide position 3013. The arginine at codon 1005 is replaced by tryptophan, an amino acid with dissimilar properties. This variant was reported in individual(s) in a sudden infant death syndrome cohort (Smith JL et al. Circ Arrhythm Electrophysiol, 2018 May;11:e005859). In an assay testing KCNH2 function, this variant showed a functionally abnormal result (Smith JL et al. Circ Arrhythm Electrophysiol, 2018 May;11:e005859). This amino acid position is well conserved in available vertebrate species. In addition, this alteration is predicted to be deleterious by in silico analysis. Based on the available evidence, the clinical significance of this variant remains unclear.

Color Diagnostics, LLC DBA Color Health
Classification: Uncertain significance for Cardiac arrhythmia. Last evaluated: 2025-07-15. Review status: criteria provided, single submitter. Criteria: ACMG Guidelines, 2015. Collection method: clinical testing. Allele origin: germline.
Comment: This missense variant replaces arginine with tryptophan at codon 1005 of the KCNH2 protein. Computational prediction suggests that this variant may have deleterious impact on protein structure and function. A functional study has reported that this variant causes an accelerated activation gating of the Kv11.1 channel (PMID: 29752375). This variant has been reported in an individual affected with sudden infant death syndrome (PMID: 29544605). This variant has not been identified in the general population by the Genome Aggregation Database (gnomAD). The available evidence is insufficient to determine the role of this variant in disease conclusively. Therefore, this variant is classified as a Variant of Uncertain Significance.

All of Us Research Program, National Institutes of Health
Classification: Uncertain significance for Long QT syndrome. Last evaluated: 2024-05-09. Review status: criteria provided, single submitter. Criteria: ACMG Guidelines, 2015. Collection method: clinical testing. Allele origin: germline. Inheritance: Autosomal dominant inheritance. Observed: 6 variant alleles, 6 heterozygotes.
Comment: This missense variant replaces arginine with tryptophan at codon 1005 of the KCNH2 protein. Computational prediction suggests that this variant may have deleterious impact on protein structure and function (internally defined REVEL score threshold >= 0.7, PMID: 27666373). A functional study reported that this variant accelerated activation gating of the Kv11.1 channel (PMID: 29752375). This variant has been reported in an individual affected with sudden infant death syndrome (PMID: 29544605). This variant has not been identified in the general population by the Genome Aggregation Database (gnomAD). The available evidence is insufficient to determine the role of this variant in disease conclusively. Therefore, this variant is classified as a Variant of Uncertain Significance.

This study involves interpretation of variants in research participants for the purpose of population health screening. Participant phenotype was not available at the time of variant classification. Additional details can be found in publication PMID: 35346344, PMCID: PMC8962531

Fulgent Genetics
Classification: Uncertain significance for Short QT syndrome type 1; Long QT syndrome 2. Last evaluated: 2021-09-07. Review status: criteria provided, single submitter. Criteria: ACMG Guidelines, 2015. Collection method: clinical testing. Allele origin: unknown.

Literature cited by the submitters: PubMed 29544605 (cited by 3 submitters); PubMed 29752375 (cited by 4 submitters).

NM_000238.4(KCNH2):c.3013C>T (p.Arg1005Trp)

Gene: KCNH2 (potassium voltage-gated channel subfamily H member 2; minus strand). Cytogenetic location: 7q36.1.
Variant type: single nucleotide variant.
Coding change: c.3013C>T on transcript NM_000238.4 (MANE Select); coding-DNA position 3013, C replaced by T.
Protein change: p.Arg1005Trp; replaces arginine 1005 with tryptophan.
Molecular consequence: missense variant.
Genome position (GRCh38, 1-based): chr7:150,947,467, G>A on the plus strand (C>T on the coding strand, the complement: KCNH2 is on the minus strand). VCF-style: chr7-150947467-G-A. GRCh37 (hg19) VCF-style: chr7-150644555-G-A.
Other names: c.3013C>T (NM_000238.3); c.1993C>T, p.Arg665Trp (NM_172057.3); short protein forms R1005W, R665W.
Identifiers: ClinVar variation 1019746 (VCV001019746.11), dbSNP rs1016101226, ClinGen allele CA169072126.